The following is an entry in ClinVar:

NM_001097639.3(FUT3):c.570C>T (p.Thr190=)

Gene: FUT3 (fucosyltransferase 3 (Lewis blood group); minus strand). Cytogenetic location: 19p13.3.
Variant type: single nucleotide variant.
Coding change: c.570C>T on transcript NM_001097639.3 (MANE Select); coding-DNA position 570, C replaced by T.
Protein change: p.Thr190=; no amino-acid change (threonine 190 retained).
Molecular consequence: synonymous variant.
Genome position (GRCh38, 1-based): chr19:5,844,270, G>A on the plus strand (C>T on the coding strand, the complement: FUT3 is on the minus strand). VCF-style: chr19-5844270-G-A. GRCh37 (hg19) VCF-style: chr19-5844281-G-A.
Other names: c.570C>T, p.Thr190= (NM_000149.4, NM_001097640.3, NM_001097641.3 and 8 more transcripts).
Identifiers: ClinVar variation 3030791 (VCV003030791.2), dbSNP rs1421814610, ClinGen allele CA505184143.

ClinVar aggregate classification (germline): Likely benign (0 of 4 stars; one submission).

Conditions:
FUT3-related disorder. Also called: FUT3-related condition.

Allele frequency attached by ClinVar (database versions not stated): gnomAD 0.00001; TOPMed 0.00004.

Submission:

PreventionGenetics, part of Exact Sciences
Classification: Likely benign for FUT3-related condition. Last evaluated: 2022-10-26. Review status: no assertion criteria provided. Collection method: clinical testing. Allele origin: germline.
Comment: This variant is classified as likely benign based on ACMG/AMP sequence variant interpretation guidelines (Richards et al. 2015 PMID: 25741868, with internal and published modifications).